The following is an entry in ClinVar:

ClinVar aggregate classification (germline): Conflicting classifications of pathogenicity. Review status: criteria provided, conflicting classifications (1 of 4 stars). 3 submissions from 3 submitters: Uncertain significance (1); Likely benign (1). 1 of the submissions does not count toward it. Last evaluated 2025-10-03.

Conditions:
CARD14-related disorder. Also called: CARD14-related condition.
Autoinflammatory syndrome. Identifiers: Orphanet 93665, MedGen C3890737, MONDO:0019751.
Pityriasis rubra pilaris (PRP). Also called: Pityriasis rubra pilaris--familial type. Identifiers: Orphanet 2897, MedGen C0032027, MONDO:0100017, OMIM 173200, MONDO:0008251.
Psoriasis 2. Identifiers: MedGen C1864497, MONDO:0011269, OMIM 602723.

Allele frequency attached by ClinVar (database versions not stated): gnomAD exomes 0.00007 and 0.00013; gnomAD 0.00008 and 0.00010; TOPMed 0.00008; ExAC 0.00009; 1000 Genomes Project 30x 0.00031; 1000 Genomes Project 0.00040.
gnomAD v4.1: 116 of 1,614,130 alleles (0.0072%); highest among the groups gnomAD compares: South Asian, 0.078%; 1 homozygote.

Submissions (3):

Labcorp Genetics (formerly Invitae), Labcorp
Classification: Likely benign for Pityriasis rubra pilaris; Psoriasis 2. Last evaluated: 2025-10-03. Review status: criteria provided, single submitter. Criteria: Invitae Variant Classification Sherloc (09022015). Collection method: clinical testing. Allele origin: germline.

Genome Diagnostics Laboratory, The Hospital for Sick Children
Classification: Uncertain significance for Autoinflammatory syndrome. Last evaluated: 2021-10-08. Review status: criteria provided, single submitter. Criteria: ACMG Guidelines, 2015. Collection method: clinical testing. Allele origin: germline. Affected: yes.

PreventionGenetics, part of Exact Sciences
Classification: Likely benign for CARD14-related condition. Last evaluated: 2022-06-28. Review status: no assertion criteria provided. Collection method: clinical testing. Allele origin: germline. Not counted in ClinVar's aggregate classification.
Comment: This variant is classified as likely benign based on ACMG/AMP sequence variant interpretation guidelines (Richards et al. 2015 PMID: 25741868, with internal and published modifications).

NM_001366385.1(CARD14):c.1012A>G (p.Met338Val)

Gene: CARD14 (caspase recruitment domain family member 14; plus strand). Cytogenetic location: 17q25.3.
Variant type: single nucleotide variant.
Coding change: c.1012A>G on transcript NM_001366385.1 (MANE Select); coding-DNA position 1012, A replaced by G.
Protein change: p.Met338Val; replaces methionine 338 with valine.
Molecular consequence: missense variant.
Genome position (GRCh38, 1-based): chr17:80,190,822, A>G. VCF-style: chr17-80190822-A-G. GRCh37 (hg19) VCF-style: chr17-78164621-A-G.
Other names: c.1012A>G, p.Met338Val (NM_001257970.1, NM_024110.4); c.301A>G, p.Met101Val (NM_052819.3); short protein forms M101V, M338V.
Identifiers: ClinVar variation 1476693 (VCV001476693.11), dbSNP rs200132496, ClinGen allele CA8816621.